The following is an entry in ClinVar:

NM_000548.5(TSC2):c.2711T>G (p.Phe904Cys)

Gene: TSC2 (TSC complex subunit 2; plus strand). Cytogenetic location: 16p13.3.
Variant type: single nucleotide variant.
Coding change: c.2711T>G on transcript NM_000548.5 (MANE Select); coding-DNA position 2711, T replaced by G.
Protein change: p.Phe904Cys; replaces phenylalanine 904 with cysteine.
Molecular consequence: missense variant.
Genome position (GRCh38, 1-based): chr16:2,076,139, T>G. VCF-style: chr16-2076139-T-G. GRCh37 (hg19) VCF-style: chr16-2126140-T-G.
Other names: c.2711T>G, p.Phe904Cys (NM_001077183.3, NM_001114382.3, NM_001363528.2 and 6 more transcripts); c.2600T>G, p.Phe867Cys (NM_001318827.2, NM_001406670.1, NM_001406678.1); c.2564T>G, p.Phe855Cys (NM_001318829.2, NM_001406675.1, NM_001406676.1 and 1 more transcripts); c.2111T>G, p.Phe704Cys (NM_001318831.2, NM_001406680.1, NM_001406682.1 and 6 more transcripts); c.2744T>G, p.Phe915Cys (NM_001318832.2); c.2801T>G, p.Phe934Cys (NM_001406667.1, NM_001406668.1); c.2699T>G, p.Phe900Cys (NM_001406671.1, NM_001406673.1); c.2654T>G, p.Phe885Cys (NM_001406677.1); and 3 more; short protein forms F370C, F885C, F900C, F915C, F904C, F704C, F855C, F934C.
Identifiers: ClinVar variation 1795083 (VCV001795083.2), dbSNP rs2089325564, ClinGen allele CA394279484.

ClinVar aggregate classification (germline): Uncertain significance (1 of 4 stars; one submission).

Conditions:
Hereditary cancer-predisposing syndrome. Also called: Tumor predisposition; Hereditary Cancer Syndrome; Neoplastic Syndromes, Hereditary; Hereditary neoplastic syndrome. Identifiers: Orphanet 140162, MedGen C0027672, MeSH D009386, MONDO:0015356.

Submission:

Ambry Genetics
Classification: Uncertain significance for Hereditary cancer-predisposing syndrome. Last evaluated: 2022-08-01. Review status: criteria provided, single submitter. Criteria: Ambry Variant Classification Scheme 2023. Collection method: clinical testing. Allele origin: germline.
Comment: The p.F904C variant (also known as c.2711T>G), located in coding exon 23 of the TSC2 gene, results from a T to G substitution at nucleotide position 2711. The phenylalanine at codon 904 is replaced by cysteine, an amino acid with highly dissimilar properties. This amino acid position is conserved. In addition, this alteration is predicted to be deleterious by in silico analysis. Since supporting evidence is limited at this time, the clinical significance of this alteration remains unclear.